The following is an entry in ClinVar:

NM_000186.4(CFH):c.1611T>A (p.His537Gln)

Gene: CFH (complement factor H; plus strand). Cytogenetic location: 1q31.3.
Variant type: single nucleotide variant.
Coding change: c.1611T>A on transcript NM_000186.4 (MANE Select); coding-DNA position 1611, T replaced by A.
Protein change: p.His537Gln; replaces histidine 537 with glutamine.
Molecular consequence: missense variant.
Genome position (GRCh38, 1-based): chr1:196,715,684, T>A. VCF-style: chr1-196715684-T-A. GRCh37 (hg19) VCF-style: chr1-196684814-T-A.
Other names: short protein forms H537Q.
Identifiers: ClinVar variation 4291401 (VCV004291401.1).

ClinVar aggregate classification (germline): Uncertain significance (1 of 4 stars; one submission).

Conditions:
Atypical hemolytic-uremic syndrome. Identifiers: Orphanet 2134, MedGen C2931788, MONDO:0016244.
Basal laminar drusen. Also called: DRUSEN OF BRUCH MEMBRANE; DRUSEN, CUTICULAR; DRUSEN, EARLY ADULT-ONSET, GROUPED. Identifiers: Orphanet 75376, MedGen C0730295, MONDO:0007472, OMIM 126700.
Factor H deficiency (CFHD). Also called: COMPLEMENT FACTOR H DEFICIENCY; CFH DEFICIENCY. Identifiers: Orphanet 200421, MedGen C0398777, MONDO:0012350, OMIM 609814.
Age related macular degeneration 4. Identifiers: MedGen C1853147, MONDO:0012540, OMIM 610698.

Submission:

Genomenon, Inc
Classification: Uncertain significance for Basal laminar drusen; Age related macular degeneration 4; Atypical hemolytic-uremic syndrome; Factor H deficiency. Last evaluated: 2025-10-02. Review status: criteria provided, single submitter. Criteria: Genomenon Sequence Variant Interpretation Standards - Updated. Collection method: curation. Allele origin: germline. Affected: no.
Comment: CFH p.His537Gln (c.1611T>A) is a missense variant that changes the amino acid at residue 537 from Histidine to Glutamine. This variant has been reported in the published literature (PMID:34508573). It is absent or not present at a significant frequency in gnomAD. In silico models agree that this variant is not damaging. In conclusion, we classify CFH p.His537Gln (c.1611T>A) as a variant of uncertain significance.

Literature cited by the submitters: PubMed 34508573.